The following is an entry in ClinVar:

NM_005245.4(FAT1):c.1453C>G (p.Leu485Val)

Gene: FAT1 (FAT atypical cadherin 1; minus strand). Cytogenetic location: 4q35.2.
Variant type: single nucleotide variant.
Coding change: c.1453C>G on transcript NM_005245.4 (MANE Select); coding-DNA position 1453, C replaced by G.
Protein change: p.Leu485Val; replaces leucine 485 with valine.
Molecular consequence: missense variant.
Genome position (GRCh38, 1-based): chr4:186,708,375, G>C on the plus strand (C>G on the coding strand, the complement: FAT1 is on the minus strand). VCF-style: chr4-186708375-G-C. GRCh37 (hg19) VCF-style: chr4-187629529-G-C.
Other names: c.1453C>G (NM_005245.3); short protein forms L485V.
Identifiers: ClinVar variation 2112481 (VCV002112481.6), dbSNP rs1360260127, ClinGen allele CA358989094.

ClinVar aggregate classification (germline): Conflicting classifications of pathogenicity. Review status: criteria provided, conflicting classifications (1 of 4 stars). 2 submissions from 2 submitters: Uncertain significance (1); Likely benign (1). Last evaluated 2023-06-13.

Conditions:
Inborn genetic diseases. Identifiers: MedGen C0950123, MeSH D030342.

Allele frequency attached by ClinVar (database versions not stated): gnomAD exomes below 0.00001; gnomAD 0.00001; TOPMed 0.00001.
gnomAD v4.1: 4 of 1,613,776 alleles (0.00025%); highest among the groups gnomAD compares: Non-Finnish European, 0.00025%; no homozygotes.

Submissions (2):

Labcorp Genetics (formerly Invitae), Labcorp
Classification: Uncertain significance. Last evaluated: 2023-06-13. Review status: criteria provided, single submitter. Criteria: Invitae Variant Classification Sherloc (09022015). Collection method: clinical testing. Allele origin: germline.
Comment: Advanced modeling of protein sequence and biophysical properties (such as structural, functional, and spatial information, amino acid conservation, physicochemical variation, residue mobility, and thermodynamic stability) performed at Invitae indicates that this missense variant is not expected to disrupt FAT1 protein function. In summary, the available evidence is currently insufficient to determine the role of this variant in disease. Therefore, it has been classified as a Variant of Uncertain Significance. ClinVar contains an entry for this variant (Variation ID: 2112481). This sequence change replaces leucine, which is neutral and non-polar, with valine, which is neutral and non-polar, at codon 485 of the FAT1 protein (p.Leu485Val). This variant is not present in population databases (gnomAD no frequency). This variant has not been reported in the literature in individuals affected with FAT1-related conditions.

Ambry Genetics
Classification: Likely benign for Inborn genetic diseases. Last evaluated: 2023-05-22. Review status: criteria provided, single submitter. Criteria: Ambry Variant Classification Scheme 2023. Collection method: clinical testing. Allele origin: germline.